The following is an entry in ClinVar:

NM_001131016.2(CIZ1):c.827A>G (p.Gln276Arg)

Gene: CIZ1 (CDKN1A interacting zinc finger protein 1; minus strand). Cytogenetic location: 9q34.11.
Variant type: single nucleotide variant.
Coding change: c.827A>G on transcript NM_001131016.2 (MANE Select); coding-DNA position 827, A replaced by G.
Protein change: p.Gln276Arg; replaces glutamine 276 with arginine.
Molecular consequence: missense variant.
Genome position (GRCh38, 1-based): chr9:128,179,380, T>C on the plus strand (A>G on the coding strand, the complement: CIZ1 is on the minus strand). VCF-style: chr9-128179380-T-C. GRCh37 (hg19) VCF-style: chr9-130941659-T-C.
Other names: c.827A>G, p.Gln276Arg (NM_001131015.2, NM_012127.3); c.812A>G, p.Gln271Arg (NM_001131017.2); c.755A>G, p.Gln252Arg (NM_001131018.2); c.917A>G, p.Gln306Arg (NM_001257975.2); c.524A>G, p.Gln175Arg (NM_001257976.2); short protein forms Q306R, Q252R, Q276R, Q175R, Q271R.
Identifiers: ClinVar variation 1432526 (VCV001432526.6), dbSNP rs371548874, ClinGen allele CA5257427.
Genomic context (GRCh38, chr9:128,179,380, plus strand): 5'-GGTGTCTGTGTCTGTTTCGGTACTGTCATCCGGGCCTGCGGCTGGGCCTTCACCTGTAAC[T>C]GCCCTGGAGGTTCCTTCTCTGTGGGCTCTTCTGAGCTAGGAAGGATCAAAAAAAAATCCC-3'
Protein context (NP_001124488.1, residues 266-286): EEPTEKEPPG[Gln276Arg]LQVKAQPQAR

ClinVar aggregate classification (germline): Uncertain significance (1 of 4 stars; one submission).

Conditions:
Dystonic disorder. Also called: Dystonia. Identifiers: MedGen C0013421, MONDO:0003441, HP:0001332.

Allele frequency attached by ClinVar (database versions not stated): gnomAD exomes 0.00004 and 0.00008; TOPMed 0.00004; ExAC 0.00003; gnomAD 0.00002; ESP Exome Variant Server 0.00008.
gnomAD v4.1: 117 of 1,608,856 alleles (0.0073%); highest among the groups gnomAD compares: Non-Finnish European, 0.0098%; no homozygotes.

Submission:

Labcorp Genetics (formerly Invitae), Labcorp
Classification: Uncertain significance for Dystonic disorder. Last evaluated: 2025-02-19. Review status: criteria provided, single submitter. Criteria: Invitae Variant Classification Sherloc (09022015). Collection method: clinical testing. Allele origin: germline.
Comment: This sequence change replaces glutamine, which is neutral and polar, with arginine, which is basic and polar, at codon 276 of the CIZ1 protein (p.Gln276Arg). This variant is present in population databases (rs371548874, gnomAD 0.007%). This variant has not been reported in the literature in individuals affected with CIZ1-related conditions. ClinVar contains an entry for this variant (Variation ID: 1432526). An algorithm developed to predict the effect of missense changes on protein structure and function (PolyPhen-2) suggests that this variant is likely to be disruptive. In summary, the available evidence is currently insufficient to determine the role of this variant in disease. Therefore, it has been classified as a Variant of Uncertain Significance.